The following is an entry in ClinVar:

NM_001943.5(DSG2):c.1316C>G (p.Ser439Cys)

Gene: DSG2 (desmoglein 2; plus strand). Cytogenetic location: 18q12.1.
Variant type: single nucleotide variant.
Coding change: c.1316C>G on transcript NM_001943.5 (MANE Select); coding-DNA position 1316, C replaced by G.
Protein change: p.Ser439Cys; replaces serine 439 with cysteine.
Molecular consequence: missense variant.
Genome position (GRCh38, 1-based): chr18:31,535,305, C>G. VCF-style: chr18-31535305-C-G. GRCh37 (hg19) VCF-style: chr18-29115268-C-G.
Other names: short protein forms S439C.
Identifiers: ClinVar variation 1039596 (VCV001039596.10), dbSNP rs2073222283, ClinGen allele CA402140304.

ClinVar aggregate classification (germline): Uncertain significance. Review status: criteria provided, multiple submitters, no conflicts (2 of 4 stars). 2 submissions from 2 submitters: Uncertain significance (2). Last evaluated 2020-09-24.

Conditions:
Arrhythmogenic right ventricular dysplasia 10. Also called: Arrhythmogenic Right Ventricular Dysplasia/Cardiomyopathy10; ARRHYTHMOGENIC RIGHT VENTRICULAR DYSPLASIA, FAMILIAL, 10; Arrhythmogenic right ventricular dysplasia/cardiomyopathy, type 10. Identifiers: MedGen C1857777, MONDO:0012434, OMIM 610193.
Cardiovascular phenotype. Identifiers: MedGen CN230736.

Submissions (2):

Labcorp Genetics (formerly Invitae), Labcorp
Classification: Uncertain significance for Arrhythmogenic right ventricular dysplasia 10. Last evaluated: 2020-09-24. Review status: criteria provided, single submitter. Criteria: Invitae Variant Classification Sherloc (09022015). Collection method: clinical testing. Allele origin: germline.
Comment: Algorithms developed to predict the effect of missense changes on protein structure and function are either unavailable or do not agree on the potential impact of this missense change (SIFT: "Deleterious"; PolyPhen-2: "Probably Damaging"; Align-GVGD: "Class C15"). This variant has not been reported in the literature in individuals with DSG2-related conditions. This variant is not present in population databases (ExAC no frequency). This sequence change replaces serine with cysteine at codon 439 of the DSG2 protein (p.Ser439Cys). The serine residue is moderately conserved and there is a moderate physicochemical difference between serine and cysteine. In summary, the available evidence is currently insufficient to determine the role of this variant in disease. Therefore, it has been classified as a Variant of Uncertain Significance.

Ambry Genetics
Classification: Uncertain significance for Cardiovascular phenotype. Last evaluated: 2020-01-03. Review status: criteria provided, single submitter. Criteria: Ambry Variant Classification Scheme 2023. Collection method: clinical testing. Allele origin: germline.
Comment: The p.S439C variant (also known as c.1316C>G), located in coding exon 10 of the DSG2 gene, results from a C to G substitution at nucleotide position 1316. The serine at codon 439 is replaced by cysteine, an amino acid with dissimilar properties. This amino acid position is not well conserved in available vertebrate species. In addition, this alteration is predicted to be tolerated by in silico analysis. Since supporting evidence is limited at this time, the clinical significance of this alteration remains unclear.